The following is an entry in ClinVar:

ClinVar aggregate classification (germline): Uncertain significance. Review status: criteria provided, multiple submitters, no conflicts (2 of 4 stars). 3 submissions from 3 submitters: Uncertain significance (3). Last evaluated 2025-08-12.

Conditions:
Mitochondrial complex 2 deficiency, nuclear type 3. Also called: MITOCHONDRIAL COMPLEX II DEFICIENCY, NUCLEAR TYPE 3. Identifiers: MedGen C5436934, MONDO:0030937, OMIM 619167.
Hereditary cancer-predisposing syndrome. Also called: Neoplastic Syndromes, Hereditary; Tumor predisposition; Hereditary neoplastic syndrome; Hereditary Cancer Syndrome. Identifiers: Orphanet 140162, MedGen C0027672, MeSH D009386, MONDO:0015356.
Cowden syndrome 3 (CWS3). Identifiers: Orphanet 201, MedGen CN166604, MONDO:0014045.
Carney-Stratakis syndrome. Also called: PARAGANGLIOMA AND GASTROINTESTINAL STROMAL TUMOR. Identifiers: Orphanet 97286, MedGen C1847319, MONDO:0011740, OMIM 606864.
Pheochromocytoma. Also called: MAX-Related Hereditary Paraganglioma-Pheochromocytoma Syndrome. Identifiers: Orphanet 29072, MedGen C0031511, MONDO:0008233, OMIM 171300, HP:0002666.
Paragangliomas with sensorineural hearing loss. Identifiers: MedGen C1868633.

Submissions (3):

Ambry Genetics
Classification: Uncertain significance for Hereditary cancer-predisposing syndrome. Last evaluated: 2025-08-12. Review status: criteria provided, single submitter. Criteria: Ambry Variant Classification Scheme 2023. Collection method: clinical testing. Allele origin: germline.
Comment: The p.L129S variant (also known as c.386T>C), located in coding exon 4 of the SDHD gene, results from a T to C substitution at nucleotide position 386. The leucine at codon 129 is replaced by serine, an amino acid with dissimilar properties. This amino acid position is not well conserved in available vertebrate species. In addition, this alteration is predicted to be deleterious by in silico analysis. Since supporting evidence is limited at this time, the clinical significance of this alteration remains unclear.

Labcorp Genetics (formerly Invitae), Labcorp
Classification: Uncertain significance for Carney-Stratakis syndrome; Paragangliomas with sensorineural hearing loss; Pheochromocytoma; Cowden syndrome 3. Last evaluated: 2025-07-13. Review status: criteria provided, single submitter. Criteria: Invitae Variant Classification Sherloc (09022015). Collection method: clinical testing. Allele origin: germline.
Comment: This sequence change replaces leucine, which is neutral and non-polar, with serine, which is neutral and polar, at codon 129 of the SDHD protein (p.Leu129Ser). This variant is not present in population databases (gnomAD no frequency). This variant has not been reported in the literature in individuals affected with SDHD-related conditions. ClinVar contains an entry for this variant (Variation ID: 568296). Invitae Evidence Modeling of protein sequence and biophysical properties (such as structural, functional, and spatial information, amino acid conservation, physicochemical variation, residue mobility, and thermodynamic stability) indicates that this missense variant is not expected to disrupt SDHD protein function with a negative predictive value of 80%. In summary, the available evidence is currently insufficient to determine the role of this variant in disease. Therefore, it has been classified as a Variant of Uncertain Significance.

Baylor Genetics
Classification: Uncertain significance for Mitochondrial complex 2 deficiency, nuclear type 3. Last evaluated: 2023-10-17. Review status: criteria provided, single submitter. Criteria: ACMG Guidelines, 2015. Collection method: clinical testing. Allele origin: unknown.

NM_003002.4(SDHD):c.386T>C (p.Leu129Ser)

Gene: SDHD (succinate dehydrogenase complex subunit D; plus strand). Cytogenetic location: 11q23.1.
Variant type: single nucleotide variant.
Coding change: c.386T>C on transcript NM_003002.4 (MANE Select); coding-DNA position 386, T replaced by C.
Protein change: p.Leu129Ser; replaces leucine 129 with serine.
Molecular consequence: missense variant. On other transcripts: 3 prime UTR variant (1), non-coding transcript variant (1).
Genome position (GRCh38, 1-based): chr11:112,094,876, T>C. VCF-style: chr11-112094876-T-C. GRCh37 (hg19) VCF-style: chr11-111965600-T-C.
Other names: c.386T>C (NM_003002.2); c.241T>C, p.Trp81Arg (NM_001276503.2); c.269T>C, p.Leu90Ser (NM_001276504.2); c.*84T>C (NM_001276506.2); short protein forms L129S, W81R, L90S.
Identifiers: ClinVar variation 568296 (VCV000568296.10), dbSNP rs201726097, ClinGen allele CA228555686.